The following is an entry in ClinVar:

ClinVar aggregate classification (germline): Conflicting classifications of pathogenicity. Review status: criteria provided, conflicting classifications (1 of 4 stars). 4 submissions from 4 submitters: Uncertain significance (1); Benign (1); Likely benign (2). Last evaluated 2025-12-16.

Conditions:
Inborn genetic diseases. Identifiers: MedGen C0950123, MeSH D030342.

Allele frequency attached by ClinVar (database versions not stated): gnomAD exomes 0.00009; ESP Exome Variant Server 0.00019; gnomAD 0.00001; TOPMed 0.00005.
gnomAD v4.1: 101 of 1,209,623 alleles (0.0083%); highest among the groups gnomAD compares: Non-Finnish European, 0.011%; no homozygotes.

Submissions (4):

Labcorp Genetics (formerly Invitae), Labcorp
Classification: Benign. Last evaluated: 2025-12-16. Review status: criteria provided, single submitter. Criteria: Invitae Variant Classification Sherloc (09022015). Collection method: clinical testing. Allele origin: germline.

Ambry Genetics
Classification: Uncertain significance for Inborn genetic diseases. Last evaluated: 2025-04-10. Review status: criteria provided, single submitter. Criteria: Ambry Variant Classification Scheme 2023. Collection method: clinical testing. Allele origin: germline.

Blueprint Genetics
Classification: Likely benign. Last evaluated: 2023-06-08. Review status: criteria provided, single submitter. Criteria: ACMG Guidelines, 2015. Collection method: clinical testing. Allele origin: germline.

CeGaT Center for Human Genetics Tuebingen
Classification: Likely benign. Last evaluated: 2022-12-01. Review status: criteria provided, single submitter. Criteria: CeGaT Center For Human Genetics Tuebingen Variant Classification Criteria Version 2. Collection method: clinical testing. Allele origin: germline. Affected: yes. Observed: 1 variant allele.
Comment: FRMD7: BP4, BS2

NM_194277.3(FRMD7):c.1474C>T (p.Pro492Ser)

Gene: FRMD7 (FERM domain containing 7; minus strand). Cytogenetic location: Xq26.2.
Variant type: single nucleotide variant.
Coding change: c.1474C>T on transcript NM_194277.3 (MANE Select); coding-DNA position 1474, C replaced by T.
Protein change: p.Pro492Ser; replaces proline 492 with serine.
Molecular consequence: missense variant.
Genome position (GRCh38, 1-based): chrX:132,078,543, G>A on the plus strand (C>T on the coding strand, the complement: FRMD7 is on the minus strand). VCF-style: chrX-132078543-G-A. GRCh37 (hg19) VCF-style: chrX-131212571-G-A.
Other names: c.1429C>T, p.Pro477Ser (NM_001306193.2); short protein forms P492S, P477S.
Identifiers: ClinVar variation 755905 (VCV000755905.36), dbSNP rs143451711, ClinGen allele CA10518859.